The following is an entry in ClinVar:

NM_001458.5(FLNC):c.7934T>C (p.Leu2645Pro)

Genes: FLNC-AS1 (FLNC antisense RNA 1; minus strand), FLNC (filamin C; plus strand). Cytogenetic location: 7q32.1.
Variant type: single nucleotide variant.
Coding change: c.7934T>C on transcript NM_001458.5 (MANE Select); coding-DNA position 7934, T replaced by C.
Protein change: p.Leu2645Pro; replaces leucine 2645 with proline.
Molecular consequence: missense variant.
Genome position (GRCh38, 1-based): chr7:128,858,161, T>C. VCF-style: chr7-128858161-T-C. GRCh37 (hg19) VCF-style: chr7-128498215-T-C.
Other names: c.7835T>C, p.Leu2612Pro (NM_001127487.2); short protein forms L2612P, L2645P.
Identifiers: ClinVar variation 2085592 (VCV002085592.4), dbSNP rs2536673137, ClinGen allele CA369220537.

ClinVar aggregate classification (germline): Uncertain significance (1 of 4 stars; one submission).

Conditions:
Distal myopathy with posterior leg and anterior hand involvement. Also called: WILLIAMS DISTAL MYOPATHY. Identifiers: Orphanet 63273, MedGen C3279722, MONDO:0013550, OMIM 614065.
Hypertrophic cardiomyopathy 26. Also called: Cardiomyopathy, familial hypertrophic, 26. Identifiers: Orphanet 75249, MedGen C4310749, MONDO:0014883, OMIM 617047.
Myofibrillar myopathy 5. Also called: Filaminopathy (type); FILAMINOPATHY, AUTOSOMAL DOMINANT. Identifiers: Orphanet 171445, MedGen C1836050, MONDO:0012289, OMIM 609524.

Submission:

Labcorp Genetics (formerly Invitae), Labcorp
Classification: Uncertain significance for Distal myopathy with posterior leg and anterior hand involvement; Myofibrillar myopathy 5; Hypertrophic cardiomyopathy 26. Last evaluated: 2022-05-03. Review status: criteria provided, single submitter. Criteria: Invitae Variant Classification Sherloc (09022015). Collection method: clinical testing. Allele origin: germline.
Comment: In summary, the available evidence is currently insufficient to determine the role of this variant in disease. Therefore, it has been classified as a Variant of Uncertain Significance. Algorithms developed to predict the effect of missense changes on protein structure and function (SIFT, PolyPhen-2, Align-GVGD) all suggest that this variant is likely to be disruptive. This variant has not been reported in the literature in individuals affected with FLNC-related conditions. This variant is not present in population databases (gnomAD no frequency). This sequence change replaces leucine, which is neutral and non-polar, with proline, which is neutral and non-polar, at codon 2645 of the FLNC protein (p.Leu2645Pro).